The following is an entry in ClinVar:

NM_198253.3(TERT):c.1770-297C>G

Gene: TERT (telomerase reverse transcriptase; minus strand). Cytogenetic location: 5p15.33.
Variant type: single nucleotide variant.
Coding change: c.1770-297C>G on transcript NM_198253.3 (MANE Select); 297 bases into the intron before coding-DNA position 1770, C replaced by G.
Molecular consequence: intron variant.
Genome position (GRCh38, 1-based): chr5:1,280,635, G>C on the plus strand (C>G on the coding strand, the complement: TERT is on the minus strand). VCF-style: chr5-1280635-G-C. GRCh37 (hg19) VCF-style: chr5-1280750-G-C.
Other names: c.1770-297C>G (NM_001193376.3).
Identifiers: ClinVar variation 4884161 (VCV004884161.2).

ClinVar aggregate classification (germline): Likely benign (1 of 4 stars; one submission).

gnomAD v4.1: 63 of 152,300 alleles (0.041%); highest among the groups gnomAD compares: South Asian, 0.083%; no homozygotes.

Submission:

Dasa
Classification: Likely benign. Last evaluated: 2025-12-27. Review status: criteria provided, single submitter. Criteria: DASA Assertion Criteria. Collection method: clinical testing. Allele origin: germline.
Comment: NM_198253.3(TERT):c.1770-297C>G is an intronic variant. The variant context is inconsistent with a known disease-causing mechanism. Computational prediction algorithms are consistent with a benign effect. Therefore, based on the currently available evidence, this variant is classified as likely benign.